The following is an entry in ClinVar:

ClinVar aggregate classification (germline): Uncertain significance (1 of 4 stars; one submission).

Submission:

Labcorp Genetics (formerly Invitae), Labcorp
Classification: Uncertain significance. Last evaluated: 2025-01-23. Review status: criteria provided, single submitter. Criteria: Invitae Variant Classification Sherloc (09022015). Collection method: clinical testing. Allele origin: germline.
Comment: This sequence change falls in intron 36 of the SPEG gene. It does not directly change the encoded amino acid sequence of the SPEG protein. This variant is not present in population databases (gnomAD no frequency). This variant has not been reported in the literature in individuals affected with SPEG-related conditions. Experimental studies and prediction algorithms are not available or were not evaluated, and the effect of this variant on mRNA splicing is currently unknown. In summary, the available evidence is currently insufficient to determine the role of this variant in disease. Therefore, it has been classified as a Variant of Uncertain Significance.

NM_005876.5(SPEG):c.8922-8AC[5]

Genes: ASIC4-AS1 (ASIC4 antisense RNA 1; minus strand), SPEG (striated muscle enriched protein kinase; plus strand). Cytogenetic location: 2q35.
Variant type: Microsatellite.
Coding change: c.8922-8AC[5] on transcript NM_005876.5 (MANE Select); five copies in a row of the 2-base unit AC starting at c.8922-8.
Molecular consequence: splice acceptor variant.
Genome position: GRCh38 VCF-style: chr2-219490400-G-GACAC. GRCh37 (hg19) VCF-style: chr2-220355122-G-GACAC.
Identifiers: ClinVar variation 3615895 (VCV003615895.2).